The following is an entry in ClinVar:

ClinVar aggregate classification (germline): Pathogenic (1 of 4 stars; one submission).

Conditions:
Primary ciliary dyskinesia. Also called: Ciliary dyskinesia. Identifiers: Orphanet 244, MedGen C0008780, MONDO:0016575, HP:0012265.

Allele frequency attached by ClinVar (database versions not stated): gnomAD exomes below 0.00001; gnomAD 0.00001.

Submission:

Labcorp Genetics (formerly Invitae), Labcorp
Classification: Pathogenic for Primary ciliary dyskinesia. Last evaluated: 2023-02-13. Review status: criteria provided, single submitter. Criteria: Invitae Variant Classification Sherloc (09022015). Collection method: clinical testing. Allele origin: germline.
Comment: This sequence change creates a premature translational stop signal (p.Leu478Argfs*18) in the DNAI2 gene. It is expected to result in an absent or disrupted protein product. Loss-of-function variants in DNAI2 are known to be pathogenic (PMID: 18950741, 23891469). For these reasons, this variant has been classified as Pathogenic. This variant has not been reported in the literature in individuals affected with DNAI2-related conditions. This variant is not present in population databases (gnomAD no frequency).

Literature cited by the submitters: PubMed 18950741; PubMed 23891469.

NM_023036.6(DNAI2):c.1433del (p.Leu478fs)

Gene: DNAI2 (dynein axonemal intermediate chain 2; plus strand). Cytogenetic location: 17q25.1.
Variant type: Deletion.
Coding change: c.1433del on transcript NM_023036.6 (MANE Select); coding-DNA position 1433, one base deleted (T; older notation c.1433delT).
Protein change: p.Leu478fs; shifts the reading frame from leucine 478.
Molecular consequence: frameshift variant. On other transcripts: non-coding transcript variant (1).
Genome position (GRCh38, 1-based): chr17:74,310,102, T deleted. VCF-style (leftmost placement, unchanged base first): chr17-74310101-CT-C. GRCh37 (hg19) VCF-style: chr17-72306240-CT-C.
Other names: c.1397del, p.Leu466fs (NM_001172810.3); c.1433del, p.Leu478fs (NM_001353167.2); short protein forms L478fs, L466fs.
Identifiers: ClinVar variation 2967986 (VCV002967986.3), dbSNP rs2053427700, ClinGen allele CA986221649.